The following is an entry in ClinVar:

NM_006206.6(PDGFRA):c.842C>A (p.Thr281Lys)

Gene: PDGFRA (platelet derived growth factor receptor alpha; plus strand). Cytogenetic location: 4q12.
Variant type: single nucleotide variant.
Coding change: c.842C>A on transcript NM_006206.6 (MANE Select); coding-DNA position 842, C replaced by A.
Protein change: p.Thr281Lys; replaces threonine 281 with lysine.
Molecular consequence: missense variant.
Genome position (GRCh38, 1-based): chr4:54,267,371, C>A. VCF-style: chr4-54267371-C-A. GRCh37 (hg19) VCF-style: chr4-55133538-C-A.
Other names: c.842C>A, p.Thr281Lys (NM_001347827.2, NM_001347829.2); c.917C>A, p.Thr306Lys (NM_001347828.2); c.881C>A, p.Thr294Lys (NM_001347830.2); short protein forms T281K, T294K, T306K.
Identifiers: ClinVar variation 857903 (VCV000857903.11), dbSNP rs770343276, ClinGen allele CA356891222.

ClinVar aggregate classification (germline): Uncertain significance. Review status: criteria provided, multiple submitters, no conflicts (2 of 4 stars). 2 submissions from 2 submitters: Uncertain significance (2). Last evaluated 2024-10-08.

Conditions:
Gastrointestinal stromal tumor. Also called: Gastrointestinal stromal tumor, somatic; Gastrointestinal stroma tumor. Identifiers: Orphanet 44890, MedGen C0238198, MeSH D046152, MONDO:0011719, OMIM 606764, HP:0100723.
Hereditary cancer-predisposing syndrome. Also called: Neoplastic Syndromes, Hereditary; Tumor predisposition; Hereditary Cancer Syndrome; Hereditary neoplastic syndrome. Identifiers: Orphanet 140162, MedGen C0027672, MeSH D009386, MONDO:0015356.

Submissions (2):

Labcorp Genetics (formerly Invitae), Labcorp
Classification: Uncertain significance for Gastrointestinal stromal tumor. Last evaluated: 2024-10-08. Review status: criteria provided, single submitter. Criteria: Invitae Variant Classification Sherloc (09022015). Collection method: clinical testing. Allele origin: germline.
Comment: This sequence change replaces threonine, which is neutral and polar, with lysine, which is basic and polar, at codon 281 of the PDGFRA protein (p.Thr281Lys). This variant is not present in population databases (gnomAD no frequency). This variant has not been reported in the literature in individuals affected with PDGFRA-related conditions. ClinVar contains an entry for this variant (Variation ID: 857903). Invitae Evidence Modeling of protein sequence and biophysical properties (such as structural, functional, and spatial information, amino acid conservation, physicochemical variation, residue mobility, and thermodynamic stability) indicates that this missense variant is not expected to disrupt PDGFRA protein function with a negative predictive value of 80%. In summary, the available evidence is currently insufficient to determine the role of this variant in disease. Therefore, it has been classified as a Variant of Uncertain Significance.

Ambry Genetics
Classification: Uncertain significance for Hereditary cancer-predisposing syndrome. Last evaluated: 2023-09-24. Review status: criteria provided, single submitter. Criteria: Ambry Variant Classification Scheme 2023. Collection method: clinical testing. Allele origin: germline.
Comment: The p.T281K variant (also known as c.842C>A), located in coding exon 5 of the PDGFRA gene, results from a C to A substitution at nucleotide position 842. The threonine at codon 281 is replaced by lysine, an amino acid with similar properties. This amino acid position is conserved. In addition, the in silico prediction for this alteration is inconclusive. Since supporting evidence is limited at this time, the clinical significance of this alteration remains unclear.